The following is an entry in ClinVar:

ClinVar aggregate classification (germline): Conflicting classifications of pathogenicity. Review status: criteria provided, conflicting classifications (1 of 4 stars). 17 submissions from 16 submitters: Uncertain significance (6); Likely benign (7). 4 of the submissions do not count toward it. Last evaluated 2026-04-20.

Conditions:
Cardiovascular phenotype. Identifiers: MedGen CN230736.
Cardiomyopathy (CMYO). Also called: Cardiomyopathies. Identifiers: Orphanet 167848, MedGen C0878544, MONDO:0004994, HP:0001638. Inheritance: Various modes of inheritance.
Hypertrichotic osteochondrodysplasia Cantu type. Also called: Cantu Syndrome; Cantú Syndrome. Identifiers: Orphanet 1517, MedGen C0795905, MONDO:0009406, OMIM 239850.
Conduction disorder of the heart. Also called: Cardiac conduction defect. Identifiers: Orphanet 871, MedGen C0264886, MONDO:0100042, OMIM 115080.
Dilated cardiomyopathy 1O (CMD1O). Also called: CARDIOMYOPATHY, DILATED, WITH VENTRICULAR TACHYCARDIA. Identifiers: Orphanet 154, MedGen C1837839, MONDO:0012062, OMIM 608569.

Allele frequency attached by ClinVar (database versions not stated): ExAC 0.00015; gnomAD exomes 0.00020 and 0.00047; 1000 Genomes Project 30x 0.00031; gnomAD 0.00031 and 0.00032; TOPMed 0.00034; 1000 Genomes Project 0.00040; ESP Exome Variant Server 0.00069.
gnomAD v4.1: 715 of 1,613,174 alleles (0.044%); highest among the groups gnomAD compares: Non-Finnish European, 0.057%; no homozygotes.

Submissions (17):

Women's Health and Genetics/Laboratory Corporation of America, LabCorp
Classification: Likely benign. Last evaluated: 2026-04-20. Review status: criteria provided, single submitter. Criteria: LabCorp Variant Classification Summary - May 2015. Collection method: clinical testing. Allele origin: germline.
Comment: Variant summary: ABCC9 c.1887G>T (p.Glu629Asp) results in a conservative amino acid change in the encoded protein sequence. Algorithms developed to predict the effect of missense changes on protein structure and function are either unavailable or do not agree on the potential impact of this missense change. The variant allele was found at a frequency of 0.0002 in 250774 control chromosomes, predominantly at a frequency of 0.00036 within the Non-Finnish European subpopulation in the gnomAD database. The observed variant frequency within Non-Finnish European control individuals in the gnomAD database exceeds the estimated maximal expected allele frequency for disease-causing variants in ABCC9. c.1887G>T has been reported in the literature in an individual affected with sudden arrhythmic death syndrome who also carried another variant of uncertain significance in FLNC (Nunn_2016). These report(s) do not provide unequivocal conclusions about association of the variant with Dilated Cardiomyopathy. To our knowledge, no experimental evidence demonstrating an impact on protein function has been reported. The following publications have been ascertained in the context of this evaluation (PMID: 23861362, 26498160). ClinVar contains an entry for this variant (Variation ID: 45392). Based on the evidence outlined above, the variant was classified as likely benign.

Labcorp Genetics (formerly Invitae), Labcorp
Classification: Likely benign for Dilated cardiomyopathy 1O. Last evaluated: 2026-01-27. Review status: criteria provided, single submitter. Criteria: Invitae Variant Classification Sherloc (09022015). Collection method: clinical testing. Allele origin: germline.

Mayo Clinic Laboratories, Mayo Clinic
Classification: Uncertain significance. Last evaluated: 2025-07-16. Review status: criteria provided, single submitter. Criteria: ACMG Guidelines, 2015. Collection method: clinical testing. Allele origin: germline. Observed: 4 variant alleles.
Comment: BS1, PP2

Blueprint Genetics
Classification: Likely benign. Last evaluated: 2024-10-22. Review status: criteria provided, single submitter. Criteria: ACMG Guidelines, 2015. Collection method: clinical testing. Allele origin: germline.

Clinical Genomics Laboratory, Stanford Medicine
Classification: Uncertain significance for Hypertrichotic osteochondrodysplasia Cantu type. Last evaluated: 2021-09-09. Review status: criteria provided, single submitter. Criteria: ACMG Guidelines, 2015. Collection method: clinical testing. Allele origin: germline. Observed: 1 variant allele, 1 heterozygote.
Comment: The p.Glu629Asp variant in the ABCC9 gene has not been previously reported in association with disease. This variant has been identified in 49/128,694 European non-Finnish chromosomes (58/282,180 chromosomes overall) by the Genome Aggregation Database. Although this variant has been seen in the general population, it has not been observed at a frequency high enough to rule out pathogenicity. The glutamic acid at position is 629 is well conserved in mammals. Computational tools predict that the p.Glu629Asp variant is deleterious; however, the accuracy of in silico algorithms is limited. The ABCC9 gene has fewer missense variants in the general population than expected. A low rate of missense variation may suggest that this gene is intolerant to missense variation. These data were assessed using the ACMG/AMP variant interpretation guidelines. In summary, the significance of the p.Glu629Asp variant is uncertain. Additional information is needed to resolve the significance of this variant. [ACMG evidence codes used: BS1_Supporting, PP2; PP3]

GeneDx
Classification: Likely benign. Last evaluated: 2021-02-11. Review status: criteria provided, single submitter. Criteria: GeneDx Variant Classification Process June 2021. Collection method: clinical testing. Allele origin: germline. Affected: yes.
Comment: This variant is associated with the following publications: (PMID: 23861362)

Ambry Genetics
Classification: Likely benign for Cardiovascular phenotype. Last evaluated: 2019-03-19. Review status: criteria provided, single submitter. Criteria: Ambry Variant Classification Scheme 2023. Collection method: clinical testing. Allele origin: germline.

Illumina Laboratory Services, Illumina
Classification: Uncertain significance for Hypertrichotic osteochondrodysplasia Cantu type. Last evaluated: 2018-01-13. Review status: criteria provided, single submitter. Criteria: ICSL Variant Classification Criteria 13 December 2019. Collection method: clinical testing. Allele origin: germline.

Illumina Laboratory Services, Illumina
Classification: Uncertain significance for Dilated cardiomyopathy 1O. Last evaluated: 2018-01-13. Review status: criteria provided, single submitter. Criteria: ICSL Variant Classification Criteria 13 December 2019. Collection method: clinical testing. Allele origin: germline.

CHEO Genetics Diagnostic Laboratory, Children's Hospital of Eastern Ontario
Classification: Uncertain significance for Cardiomyopathy. Last evaluated: 2015-11-20. Review status: criteria provided, single submitter. Criteria: ACMG Guidelines, 2015. Collection method: clinical testing. Allele origin: germline. Study: Canadian Open Genetics Repository.

Laboratory for Molecular Medicine, Mass General Brigham Personalized Medicine
Classification: Uncertain significance. Last evaluated: 2015-08-25. Review status: criteria provided, single submitter. Criteria: LMM Criteria. Collection method: clinical testing. Allele origin: germline. Observed: 2 variant alleles.
Comment: This variant has also been identified in 17 /66508 of European chromosomes by the Exome Aggregation Consortium (ExAC; dbSNP rs150036969). Computational prediction tools and conservation analysis do not provide strong support for or against an impact to the protein. In summary, the clinical significance of the p.Glu629Asp variant i s uncertain.

Biesecker Lab/Clinical Genomics Section, National Institutes of Health
Classification: Likely benign. Last evaluated: 2013-06-24. Review status: criteria provided, single submitter. Criteria: Ng et al. (Circ Cardiovasc Genet. 2013). Collection method: research. Allele origin: unknown. Observed: 1 variant allele. Study: ClinSeq.
Comment: The study set was not selected for affection status in relation to any cancer. Pathogenicity categories were based on literature curation. See Pubmed ID:23861362 for details.

Medical sequencing

Molecular Diagnostic Laboratory for Inherited Cardiovascular Disease, Montreal Heart Institute
Classification: Likely benign for Conduction disorder of the heart. Review status: criteria provided, single submitter. Criteria: ACMG Guidelines, 2015. Collection method: clinical testing. Allele origin: germline. Affected: yes.

Clinical Genetics DNA and cytogenetics Diagnostics Lab, Erasmus MC, Erasmus Medical Center
Classification: Likely benign. Review status: no assertion criteria provided. Collection method: clinical testing. Allele origin: germline. Affected: yes. Study: VKGL Data-share Consensus. Not counted in ClinVar's aggregate classification.

Clinical Genetics, Academic Medical Center
Classification: Likely benign. Review status: no assertion criteria provided. Collection method: clinical testing. Allele origin: germline. Affected: yes. Study: VKGL Data-share Consensus. Not counted in ClinVar's aggregate classification.

Diagnostic Laboratory, Department of Genetics, University Medical Center Groningen
Classification: Likely benign. Review status: no assertion criteria provided. Collection method: clinical testing. Allele origin: germline. Affected: yes. Study: VKGL Data-share Consensus. Not counted in ClinVar's aggregate classification.

Genome Diagnostics Laboratory, University Medical Center Utrecht
Classification: Likely benign. Review status: no assertion criteria provided. Collection method: clinical testing. Allele origin: germline. Affected: yes. Study: VKGL Data-share Consensus. Not counted in ClinVar's aggregate classification.

Literature cited by the submitters: PubMed 23861362 (cited by 3 submitters); PubMed 26498160 (cited by Women's Health and Genetics/Laboratory Corporation of America, LabCorp and Mayo Clinic Laboratories, Mayo Clinic).

NM_020297.4(ABCC9):c.1887G>T (p.Glu629Asp)

Gene: ABCC9 (ATP binding cassette subfamily C member 9; minus strand). Cytogenetic location: 12p12.1.
Variant type: single nucleotide variant.
Coding change: c.1887G>T on transcript NM_020297.4 (MANE Select); coding-DNA position 1887, G replaced by T.
Protein change: p.Glu629Asp; replaces glutamic acid 629 with aspartic acid.
Molecular consequence: missense variant.
Genome position (GRCh38, 1-based): chr12:21,887,850, C>A on the plus strand (G>T on the coding strand, the complement: ABCC9 is on the minus strand). VCF-style: chr12-21887850-C-A. GRCh37 (hg19) VCF-style: chr12-22040784-C-A.
Other names: c.1887G>T, p.Glu629Asp (NM_001377273.1, NM_005691.4); c.1023G>T, p.Glu341Asp (NM_001377274.1); short protein forms E629D, E341D.
Identifiers: ClinVar variation 45392 (VCV000045392.42), dbSNP rs150036969, ClinGen allele CA136220.